The following is an entry in ClinVar:

ClinVar aggregate classification (germline): Uncertain significance (1 of 4 stars; one submission).

Conditions:
Familial cancer of breast. Also called: hereditary breast carcinoma; BREAST CANCER, FAMILIAL; Hereditary breast cancer. Identifiers: Orphanet 227535, MedGen C0346153, MONDO:0016419, OMIM 114480. Disease mechanism: loss of function.

Submission:

Labcorp Genetics (formerly Invitae), Labcorp
Classification: Uncertain significance for Familial cancer of breast. Last evaluated: 2023-02-04. Review status: criteria provided, single submitter. Criteria: Invitae Variant Classification Sherloc (09022015). Collection method: clinical testing. Allele origin: germline.
Comment: Information on the frequency of this variant in the gnomAD database is not available, as this variant may be reported differently in the database. This variant has not been reported in the literature in individuals affected with BARD1-related conditions. ClinVar contains an entry for this variant (Variation ID: 569234). An algorithm developed to predict the effect of missense changes on protein structure and function (PolyPhen-2) suggests that this variant is likely to be disruptive. In summary, the available evidence is currently insufficient to determine the role of this variant in disease. Therefore, it has been classified as a Variant of Uncertain Significance. This sequence change replaces arginine, which is basic and polar, with asparagine, which is neutral and polar, at codon 337 of the BARD1 protein (p.Arg337Asn).

NM_000465.4(BARD1):c.1010_1011delinsAT (p.Arg337Asn)

Gene: BARD1 (BRCA1 associated RING domain 1; minus strand). Cytogenetic location: 2q35.
Variant type: Indel.
Coding change: c.1010_1011delinsAT on transcript NM_000465.4 (MANE Select); coding-DNA positions 1010 to 1011, GA replaced by AT.
Protein change: p.Arg337Asn; replaces arginine 337 with asparagine.
Molecular consequence: missense variant. On other transcripts: non-coding transcript variant (2), intron variant (3).
Genome position (GRCh38, 1-based): chr2:214,780,863-214,780,864, TC replaced by AT on the plus strand (GA replaced by AT on the coding strand, the reverse complement: BARD1 is on the minus strand). VCF-style: chr2-214780863-TC-AT. GRCh37 (hg19) VCF-style: chr2-215645587-TC-AT.
Other names: c.953_954delinsAT, p.Arg318Asn (NM_001282543.2); c.159-28309_159-28308delinsAT (NM_001282548.2); c.215+16197_215+16198delinsAT (NM_001282545.2); c.364+11433_364+11434delinsAT (NM_001282549.2); short protein forms R337N, R318N.
Identifiers: ClinVar variation 569234 (VCV000569234.8), dbSNP rs1559424267, ClinGen allele CA891843066.